The following is an entry in ClinVar:

ClinVar aggregate classification (germline): Uncertain significance (1 of 4 stars; one submission).

Conditions:
Progressive sclerosing poliodystrophy (MTDPS4A). Also called: Mitochondrial DNA Depletion Syndrome 4A; ALPERS PROGRESSIVE INFANTILE POLIODYSTROPHY; NEURONAL DEGENERATION OF CHILDHOOD WITH LIVER DISEASE, PROGRESSIVE; Mitochondrial DNA depletion syndrome 4A (Alpers type); Alpers Syndrome; ALPERS DIFFUSE DEGENERATION OF CEREBRAL GRAY MATTER WITH HEPATIC CIRRHOSIS. Identifiers: Orphanet 726, MedGen C0205710, MONDO:0008758, OMIM 203700.

Submission:

Labcorp Genetics (formerly Invitae), Labcorp
Classification: Uncertain significance for Progressive sclerosing poliodystrophy. Last evaluated: 2025-09-02. Review status: criteria provided, single submitter. Criteria: Invitae Variant Classification Sherloc (09022015). Collection method: clinical testing. Allele origin: germline.
Comment: This sequence change replaces threonine, which is neutral and polar, with isoleucine, which is neutral and non-polar, at codon 451 of the POLG protein (p.Thr451Ile). This variant is not present in population databases (gnomAD no frequency). This variant has not been reported in the literature in individuals affected with POLG-related conditions. ClinVar contains an entry for this variant (Variation ID: 2982816). Invitae Evidence Modeling of protein sequence and biophysical properties (such as structural, functional, and spatial information, amino acid conservation, physicochemical variation, residue mobility, and thermodynamic stability) indicates that this missense variant is not expected to disrupt POLG protein function with a negative predictive value of 95%. In summary, the available evidence is currently insufficient to determine the role of this variant in disease. Therefore, it has been classified as a Variant of Uncertain Significance.

NM_002693.3(POLG):c.1352C>T (p.Thr451Ile)

Gene: POLG (DNA polymerase gamma, catalytic subunit; minus strand). Cytogenetic location: 15q26.1.
Variant type: single nucleotide variant.
Coding change: c.1352C>T on transcript NM_002693.3 (MANE Select); coding-DNA position 1352, C replaced by T.
Protein change: p.Thr451Ile; replaces threonine 451 with isoleucine.
Molecular consequence: missense variant.
Genome position (GRCh38, 1-based): chr15:89,327,248, G>A on the plus strand (C>T on the coding strand, the complement: POLG is on the minus strand). VCF-style: chr15-89327248-G-A. GRCh37 (hg19) VCF-style: chr15-89870479-G-A.
Other names: c.1352C>T, p.Thr451Ile (NM_001126131.2); short protein forms T451I.
Identifiers: ClinVar variation 2982816 (VCV002982816.3), dbSNP rs2509256151, ClinGen allele CA393762112.
Genomic context (GRCh38, chr15:89,327,248, plus strand): 5'-CAGGCATCATTGGCCAGATCCATCAACGACTTCTTCATCTCCCGCTGGAGCTCCTCATAA[G>A]TGCCCTGTGCCTCTGCCAGGTAACGCTCCCAGTTCTGGTTGACAGGCAGGTAGGAGACAC-3'
Protein context (NP_002684.1, residues 441-461): WERYLAEAQG[Thr451Ile]YEELQREMKK